The following is an entry in ClinVar:

ClinVar aggregate classification (germline): Conflicting classifications of pathogenicity. Review status: criteria provided, conflicting classifications (1 of 4 stars). 2 submissions from 2 submitters: Uncertain significance (1); Likely benign (1). Last evaluated 2024-04-25.

Allele frequency attached by ClinVar (database versions not stated): gnomAD exomes 0.00001; TOPMed 0.00001; ExAC 0.00002; gnomAD 0.00002.
gnomAD v4.1: 15 of 1,613,816 alleles (0.00093%); highest among the groups gnomAD compares: Non-Finnish European, 0.0013%; no homozygotes.

Submissions (2):

Women's Health and Genetics/Laboratory Corporation of America, LabCorp
Classification: Likely benign. Last evaluated: 2024-04-25. Review status: criteria provided, single submitter. Criteria: LabCorp Variant Classification Summary - May 2015. Collection method: clinical testing. Allele origin: germline.
Comment: Variant summary: ADNP c.172C>T alters a conserved nucleotide resulting in a synonymous change. Consensus agreement among computation tools predict no significant impact on normal splicing. However, these predictions have yet to be confirmed by functional studies. The variant allele was found at a frequency of 1.2e-05 in 251320 control chromosomes. The available data on variant occurrences in the general population are insufficient to allow any conclusion about variant significance. To our knowledge, no occurrence of c.172C>T in individuals affected with ADNP-Related Multiple Congenital Anomalies-Intellectual Disability-Autism Spectrum Disorder and no experimental evidence demonstrating its impact on protein function have been reported. ClinVar contains an entry for this variant (Variation ID: 2877564). Based on the evidence outlined above, the variant was classified as likely benign.

Labcorp Genetics (formerly Invitae), Labcorp
Classification: Uncertain significance. Last evaluated: 2023-08-29. Review status: criteria provided, single submitter. Criteria: Invitae Variant Classification Sherloc (09022015). Collection method: clinical testing. Allele origin: germline.
Comment: This variant is present in population databases (rs755893677, gnomAD 0.003%). This sequence change affects codon 58 of the ADNP mRNA. It is a 'silent' change, meaning that it does not change the encoded amino acid sequence of the ADNP protein. This variant has not been reported in the literature in individuals affected with ADNP-related conditions. In summary, the available evidence is currently insufficient to determine the role of this variant in disease. Therefore, it has been classified as a Variant of Uncertain Significance.

NM_001282531.3(ADNP):c.172C>T (p.Leu58=)

Gene: ADNP (activity dependent neuroprotector homeobox; minus strand). Cytogenetic location: 20q13.13.
Variant type: single nucleotide variant.
Coding change: c.172C>T on transcript NM_001282531.3 (MANE Select); coding-DNA position 172, C replaced by T.
Protein change: p.Leu58=; no amino-acid change (leucine 58 retained).
Molecular consequence: synonymous variant.
Genome position (GRCh38, 1-based): chr20:50,902,046, G>A on the plus strand (C>T on the coding strand, the complement: ADNP is on the minus strand). VCF-style: chr20-50902046-G-A. GRCh37 (hg19) VCF-style: chr20-49518583-G-A.
Other names: c.172C>T, p.Leu58= (NM_001282532.2, NM_001347511.2, NM_015339.5 and 1 more transcripts).
Identifiers: ClinVar variation 2877564 (VCV002877564.4), dbSNP rs755893677, ClinGen allele CA9908935.
Genomic context (GRCh38, chr20:50,902,046, plus strand): 5'-GCCATCTGAGGAAGTCTCCTGTGCCACTTACCTGGTTTTTCGTAAGTGATGGGTCCCACA[G>A]TCCTACATCCTCCCATGTAGTGTTTTTCAAATAAAAGTCATTAGGTTCAAATTGTTTAAA-3'
Protein context (NP_001269460.1, residues 48-68): LKNTTWEDVG[Leu58=]WDPSLTKNQD